The following is an entry in ClinVar:

ClinVar aggregate classification (germline): Uncertain significance. Review status: criteria provided, multiple submitters, no conflicts (2 of 4 stars). 2 submissions from 2 submitters: Uncertain significance (2). Last evaluated 2023-09-01.

Conditions:
Hereditary cancer-predisposing syndrome. Also called: Neoplastic Syndromes, Hereditary; Tumor predisposition; Hereditary Cancer Syndrome; Hereditary neoplastic syndrome. Identifiers: Orphanet 140162, MedGen C0027672, MeSH D009386, MONDO:0015356.

Submissions (2):

Labcorp Genetics (formerly Invitae), Labcorp
Classification: Uncertain significance. Last evaluated: 2023-09-01. Review status: criteria provided, single submitter. Criteria: Invitae Variant Classification Sherloc (09022015). Collection method: clinical testing. Allele origin: germline.
Comment: In summary, the available evidence is currently insufficient to determine the role of this variant in disease. Therefore, it has been classified as a Variant of Uncertain Significance. An algorithm developed to predict the effect of missense changes on protein structure and function (PolyPhen-2) suggests that this variant¬¨‚Ä†is likely to be tolerated. ClinVar contains an entry for this variant (Variation ID: 1782092). This variant has not been reported in the literature in individuals affected with MSH3-related conditions. This variant is not present in population databases (gnomAD no frequency). This sequence change replaces lysine, which is basic and polar, with arginine, which is basic and polar, at codon 631 of the MSH3 protein (p.Lys631Arg).

Ambry Genetics
Classification: Uncertain significance for Hereditary cancer-predisposing syndrome. Last evaluated: 2022-06-30. Review status: criteria provided, single submitter. Criteria: Ambry Variant Classification Scheme 2023. Collection method: clinical testing. Allele origin: germline.
Comment: The p.K631R variant (also known as c.1892A>G), located in coding exon 13 of the MSH3 gene, results from an A to G substitution at nucleotide position 1892. The lysine at codon 631 is replaced by arginine, an amino acid with highly similar properties. This amino acid position is conserved. In addition, this alteration is predicted to be tolerated by in silico analysis. Since supporting evidence is limited at this time, the clinical significance of this alteration remains unclear.

NM_002439.5(MSH3):c.1892A>G (p.Lys631Arg)

Gene: MSH3 (mutS homolog 3; plus strand). Cytogenetic location: 5q14.1.
Variant type: single nucleotide variant.
Coding change: c.1892A>G on transcript NM_002439.5 (MANE Select); coding-DNA position 1892, A replaced by G.
Protein change: p.Lys631Arg; replaces lysine 631 with arginine.
Molecular consequence: missense variant.
Genome position (GRCh38, 1-based): chr5:80,761,674, A>G. VCF-style: chr5-80761674-A-G. GRCh37 (hg19) VCF-style: chr5-80057493-A-G.
Other names: short protein forms K631R.
Identifiers: ClinVar variation 1782092 (VCV001782092.4), dbSNP rs1744038315, ClinGen allele CA360276739.